The following is an entry in ClinVar:

GRCh38/hg38 8p23.3(chr8:241530-1371695)x1

Genes: DLGAP2 (DLG associated protein 2; plus strand), ERICH1 (glutamate rich 1; minus strand), FAM87A (family with sequence similarity 87 member A; minus strand), FBXO25 (F-box protein 25; plus strand), TDRP (testis development related protein; minus strand) and 23 more. Cytogenetic location: 8p23.3.
Variant type: copy number loss.
Change: copy number 1 (one copy instead of two) of chr8:241,530-1,371,695 (1.13 Mb, GRCh38 coordinates, 1-based), cytogenetic band 8p23.3.
Identifiers: ClinVar variation 57311 (VCV000057311.1).

ClinVar aggregate classification (germline): Pathogenic (1 of 4 stars; one submission).

Submission:

ISCA site 4
Classification: Pathogenic. Last evaluated: 2011-08-12. Review status: criteria provided, single submitter. Criteria: Kaminsky et al. (Genet Med. 2011). Collection method: clinical testing. Allele origin: unknown. Affected: yes. Observed: 1 variant allele.
Comment: Copy number variation identified through the course of routine clinical cytogenomic testing in postnatal populations. Clinical assertions have been curated as described in Kaminsky et al. 2011.